The following is an entry in ClinVar:

NM_000718.4(CACNA1B):c.2263G>A (p.Ala755Thr)

Genes: CACNA1B (calcium voltage-gated channel subunit alpha1 B; plus strand), LOC108254695 (9q34.3 CACNA1B recombination region; plus strand). Cytogenetic location: 9q34.3.
Variant type: single nucleotide variant.
Coding change: c.2263G>A on transcript NM_000718.4 (MANE Select); coding-DNA position 2263, G replaced by A.
Protein change: p.Ala755Thr; replaces alanine 755 with threonine.
Molecular consequence: missense variant.
Genome position (GRCh38, 1-based): chr9:138,013,231, G>A. VCF-style: chr9-138013231-G-A. GRCh37 (hg19) VCF-style: chr9-140907683-G-A.
Other names: c.2263G>A, p.Ala755Thr (NM_001243812.2); short protein forms A755T.
Identifiers: ClinVar variation 1900179 (VCV001900179.3), dbSNP rs375775314, ClinGen allele CA5376422.

ClinVar aggregate classification (germline): Uncertain significance (1 of 4 stars; one submission).

Allele frequency attached by ClinVar (database versions not stated): TOPMed 0.00001; ExAC 0.00005; ESP Exome Variant Server 0.00008; gnomAD exomes 0.00001.
gnomAD v4.1: 15 of 1,587,788 alleles (0.00094%); highest among the groups gnomAD compares: Admixed American, 0.0035%; no homozygotes.

Submission:

Labcorp Genetics (formerly Invitae), Labcorp
Classification: Uncertain significance. Last evaluated: 2025-06-02. Review status: criteria provided, single submitter. Criteria: Invitae Variant Classification Sherloc (09022015). Collection method: clinical testing. Allele origin: germline.
Comment: This sequence change replaces alanine, which is neutral and non-polar, with threonine, which is neutral and polar, at codon 755 of the CACNA1B protein (p.Ala755Thr). This variant is present in population databases (rs375775314, gnomAD 0.01%). This variant has not been reported in the literature in individuals affected with CACNA1B-related conditions. ClinVar contains an entry for this variant (Variation ID: 1900179). An algorithm developed to predict the effect of missense changes on protein structure and function (PolyPhen-2) suggests that this variant is likely to be tolerated. In summary, the available evidence is currently insufficient to determine the role of this variant in disease. Therefore, it has been classified as a Variant of Uncertain Significance.